The following is an entry in ClinVar:

ClinVar aggregate classification (germline): Benign/Likely benign. Review status: criteria provided, multiple submitters, no conflicts (2 of 4 stars). 7 submissions from 7 submitters: Benign (5); Likely benign (2). Last evaluated 2026-01-19.

Conditions:
Spastic paraplegia. Identifiers: MedGen C0037772, HP:0001258.
Hereditary spastic paraplegia 33. Also called: SPASTIC PARAPLEGIA 33, AUTOSOMAL DOMINANT. Identifiers: MedGen C1853251, MONDO:0012448, OMIM 610244.

Allele frequency attached by ClinVar (database versions not stated): 1000 Genomes Project 30x 0.00312; 1000 Genomes Project 0.00319; ExAC 0.00444; gnomAD exomes 0.00489 and 0.00734; TOPMed 0.00501; gnomAD 0.00508 and 0.00509; ESP Exome Variant Server 0.00569.

Submissions (7):

Labcorp Genetics (formerly Invitae), Labcorp
Classification: Benign for Spastic paraplegia. Last evaluated: 2026-01-19. Review status: criteria provided, single submitter. Criteria: Invitae Variant Classification Sherloc (09022015). Collection method: clinical testing. Allele origin: germline.

Mayo Clinic Laboratories, Mayo Clinic
Classification: Likely benign. Last evaluated: 2025-04-09. Review status: criteria provided, single submitter. Criteria: ACMG Guidelines, 2015. Collection method: clinical testing. Allele origin: germline. Observed: 7 variant alleles.
Comment: BS2, BP4, BP7

CeGaT Center for Human Genetics Tuebingen
Classification: Likely benign. Last evaluated: 2022-12-01. Review status: criteria provided, single submitter. Criteria: CeGaT Center For Human Genetics Tuebingen Variant Classification Criteria Version 2. Collection method: clinical testing. Allele origin: germline. Affected: yes. Observed: 1 variant allele.
Comment: ZFYVE27: BP4, BP7, BS2

Genome-Nilou Lab
Classification: Benign for Hereditary spastic paraplegia 33. Last evaluated: 2021-12-05. Review status: criteria provided, single submitter. Criteria: ACMG Guidelines, 2015. Collection method: clinical testing. Allele origin: germline. Affected: no.

Illumina Laboratory Services, Illumina
Classification: Benign for Hereditary spastic paraplegia 33. Last evaluated: 2018-01-13. Review status: criteria provided, single submitter. Criteria: ICSL Variant Classification Criteria 13 December 2019. Collection method: clinical testing. Allele origin: germline.
Comment: This variant was observed in the ICSL laboratory as part of a predisposition screen in an ostensibly healthy population. It had not been previously curated by ICSL or reported in the Human Gene Mutation Database (HGMD: prior to June 1st, 2018), and was therefore a candidate for classification through an automated scoring system. Utilizing variant allele frequency, disease prevalence and penetrance estimates, and inheritance mode, an automated score was calculated to assess if this variant is too frequent to cause the disease. Based on the score and internal cut-off values, a variant classified as benign is not then subjected to further curation. The score for this variant resulted in a classification of benign for this disease.

Eurofins Ntd Llc (ga)
Classification: Benign. Last evaluated: 2015-06-25. Review status: criteria provided, single submitter. Criteria: EGL Classification Definitions 2015. Collection method: clinical testing. Allele origin: germline. Observed: 1 variant allele, 1 heterozygote.

Breakthrough Genomics
Classification: Benign. Review status: criteria provided, single submitter. Criteria: ACMG Guidelines, 2015. Collection method: not provided. Allele origin: germline. Inheritance: Autosomal dominant inheritance. Affected: yes.

NM_001385875.1(ZFYVE27):c.126C>T (p.Leu42=)

Gene: ZFYVE27 (zinc finger FYVE-type containing 27; plus strand). Cytogenetic location: 10q24.2.
Variant type: single nucleotide variant.
Coding change: c.126C>T on transcript NM_001385875.1 (MANE Select); coding-DNA position 126, C replaced by T.
Protein change: p.Leu42=; no amino-acid change (leucine 42 retained).
Molecular consequence: synonymous variant. On other transcripts: 5 prime UTR variant (13), non-coding transcript variant (17), intron variant (5).
Genome position (GRCh38, 1-based): chr10:97,738,603, C>T. VCF-style: chr10-97738603-C-T. GRCh37 (hg19) VCF-style: chr10-99498360-C-T.
Other names: p.Leu42=; c.126C>T, p.Leu42= (NM_001002261.4, NM_001002262.4, NM_001174119.2 and 24 more transcripts); c.-54C>T (NM_001385890.1, NM_001385893.1, NM_001385895.1 and 2 more transcripts); c.-41C>T (NM_001385899.1, NM_001385900.1, NM_001385903.1 and 4 more transcripts); c.-69C>T (NM_001385915.1); c.-8+1282C>T (NM_001385891.1, NM_001385894.1, NM_001385892.1 and 1 more transcripts); c.-27+1282C>T (NM_001174121.2).
Identifiers: ClinVar variation 238205 (VCV000238205.45), dbSNP rs17419023, ClinGen allele CA5635047.